The following is an entry in ClinVar:

NM_001002294.3(FMO3):c.993_994del (p.Tyr331_Ser332delinsTer)

Gene: FMO3 (flavin containing dimethylaniline monoxygenase 3; plus strand). Cytogenetic location: 1q24.3.
Variant type: Microsatellite.
Coding change: c.993_994del on transcript NM_001002294.3 (MANE Select); coding-DNA positions 993 to 994, 2 bases deleted (TA; older notation c.993_994delTA).
Protein change: p.Tyr331_Ser332delinsTer.
Molecular consequence: nonsense.
Genome position (GRCh38, 1-based): chr1:171,114,172-171,114,173, TA deleted; deleting any 2 consecutive bases within chr1:171,114,170-171,114,173 gives the same sequence; the c. name uses the placement nearest the transcript's 3' end. VCF-style (leftmost placement, unchanged base first): chr1-171114169-GTA-G. GRCh37 (hg19) VCF-style: chr1-171083309-GTA-G.
Other names: c.933_934del, p.Tyr311_Ser312delinsTer (NM_001319173.2); c.804_805del, p.Tyr268_Ser269delinsTer (NM_001319174.2); c.993_994del, p.Tyr331_Ser332delinsTer (NM_006894.6).
Identifiers: ClinVar variation 2720934 (VCV002720934.4), dbSNP rs751356173, ClinGen allele CA1240714.

ClinVar aggregate classification (germline): Pathogenic/Likely pathogenic. Review status: criteria provided, multiple submitters, no conflicts (2 of 4 stars). 2 submissions from 2 submitters: Pathogenic (1); Likely pathogenic (1). Last evaluated 2026-02-04.

Conditions:
Trimethylaminuria (TMAU). Also called: Stale fish syndrome; TMAuria; FISH-ODOR SYNDROME; Primary Trimethylaminuria; Fish malodor syndrome. Identifiers: MedGen C0342739, MONDO:0011182, OMIM 602079, HP:0003614. Disease mechanism: loss of function.

Submissions (2):

Labcorp Genetics (formerly Invitae), Labcorp
Classification: Pathogenic. Last evaluated: 2026-02-04. Review status: criteria provided, single submitter. Criteria: Invitae Variant Classification Sherloc (09022015). Collection method: clinical testing. Allele origin: germline.
Comment: This sequence change creates a premature translational stop signal (p.Tyr331*) in the FMO3 gene. It is expected to result in an absent or disrupted protein product. Loss-of-function variants in FMO3 are known to be pathogenic (PMID: 20301282). The frequency data for this variant in the population databases is considered unreliable, as metrics indicate poor data quality at this position in the gnomAD database. This premature translational stop signal has been observed in individual(s) with trimethylaminuria (PMID: 23821320). ClinVar contains an entry for this variant (Variation ID: 2720934). For these reasons, this variant has been classified as Pathogenic.

Fulgent Genetics
Classification: Likely pathogenic for Trimethylaminuria. Last evaluated: 2024-02-23. Review status: criteria provided, single submitter. Criteria: ACMG Guidelines, 2015. Collection method: clinical testing. Allele origin: germline.

Literature cited by the submitters: PubMed 20301282 (cited by Labcorp Genetics (formerly Invitae), Labcorp); PubMed 23821320 (cited by Labcorp Genetics (formerly Invitae), Labcorp).